The following is an entry in ClinVar:

NM_000726.5(CACNB4):c.*2778A>C

Gene: CACNB4 (calcium voltage-gated channel auxiliary subunit beta 4; minus strand). Cytogenetic location: 2q23.3.
Variant type: single nucleotide variant.
Coding change: c.*2778A>C on transcript NM_000726.5 (MANE Select); 2778 bases downstream of the stop codon, A replaced by C.
Molecular consequence: 3 prime UTR variant.
Genome position (GRCh38, 1-based): chr2:151,836,341, T>G on the plus strand (A>C on the coding strand, the complement: CACNB4 is on the minus strand). VCF-style: chr2-151836341-T-G. GRCh37 (hg19) VCF-style: chr2-152692855-T-G.
Other names: c.*2778A>C (NM_001005746.4, NM_001005747.4, NM_001145798.3 and 7 more transcripts).
Identifiers: ClinVar variation 331583 (VCV000331583.6), dbSNP rs114659375, ClinGen allele CA10611387.
Genomic context (GRCh38, chr2:151,836,341, plus strand): 5'-TTGTTTCTCTTGCTTATAATCATTTGCTATCTTTAAATGAAATTAATTAAAAACAAAGTA[T>G]GGAGTATGTATTTTTCAAAGGTGCTTGGTGTGCTTGGCAAAAATAAAACTTTTCATTTAG-3'

ClinVar aggregate classification (germline): Benign (1 of 4 stars; one submission).

Conditions:
Episodic ataxia type 5. Identifiers: Orphanet 211067, MedGen C1866039, MONDO:0013464, OMIM 613855.

Allele frequency attached by ClinVar (database versions not stated): 1000 Genomes Project 0.00919; 1000 Genomes Project 30x 0.00953; gnomAD 0.01006 and 0.01105; TOPMed 0.01168.

Submission:

Illumina Laboratory Services, Illumina
Classification: Benign for Episodic ataxia type 5. Last evaluated: 2018-01-13. Review status: criteria provided, single submitter. Criteria: ICSL Variant Classification Criteria 13 December 2019. Collection method: clinical testing. Allele origin: germline.
Comment: This variant was observed in the ICSL laboratory as part of a predisposition screen in an ostensibly healthy population. It had not been previously curated by ICSL or reported in the Human Gene Mutation Database (HGMD: prior to June 1st, 2018), and was therefore a candidate for classification through an automated scoring system. Utilizing variant allele frequency, disease prevalence and penetrance estimates, and inheritance mode, an automated score was calculated to assess if this variant is too frequent to cause the disease. Based on the score and internal cut-off values, a variant classified as benign is not then subjected to further curation. The score for this variant resulted in a classification of benign for this disease.